The following is an entry in ClinVar:

NM_000092.5(COL4A4):c.3058A>T (p.Lys1020Ter)

Gene: COL4A4 (collagen type IV alpha 4 chain; minus strand). Cytogenetic location: 2q36.3.
Variant type: single nucleotide variant.
Coding change: c.3058A>T on transcript NM_000092.5 (MANE Select); coding-DNA position 3058, A replaced by T.
Protein change: p.Lys1020Ter; replaces lysine 1020 with a stop codon.
Molecular consequence: nonsense.
Genome position (GRCh38, 1-based): chr2:227,051,069, T>A on the plus strand (A>T on the coding strand, the complement: COL4A4 is on the minus strand). VCF-style: chr2-227051069-T-A. GRCh37 (hg19) VCF-style: chr2-227915785-T-A.
Other names: short protein forms K1020*.
Identifiers: ClinVar variation 1724865 (VCV001724865.2), dbSNP rs1244937877, ClinGen allele CA350839115.

ClinVar aggregate classification (germline): Likely pathogenic (1 of 4 stars; one submission).

Conditions:
Autosomal recessive Alport syndrome (ATS2). Also called: COL4A3-Related Nephropathy; COL4A4 Alport Syndrome and Thin Basement Membrane Nephropathy; ALPORT SYNDROME 2, AUTOSOMAL RECESSIVE; Alport syndrome type 2. Identifiers: Orphanet 63, Orphanet 88919, MedGen C4746745, MONDO:0008762, OMIM 203780.

Submission:

Myriad Genetics, Inc.
Classification: Likely pathogenic for Autosomal recessive Alport syndrome. Last evaluated: 2022-03-02. Review status: criteria provided, single submitter. Criteria: Myriad Women's Health Autosomal Recessive and X-Linked Classification Criteria (2021). Collection method: clinical testing. Allele origin: unknown.
Comment: NM_000092.4(COL4A4):c.3058A>T(K1020*) is expected to be pathogenic in the context of COL4A4-related Alport syndrome. This variant is predicted to lead to an abnormal or absent protein product due to the creation of a premature termination codon in COL4A4, a gene where loss-of-function variants are known to be pathogenic. Please note: this variant was assessed in the context of healthy population screening.